The following is an entry in ClinVar:

ClinVar aggregate classification (germline): Uncertain significance (1 of 4 stars; one submission).

gnomAD v4.1: 9 of 1,205,612 alleles (0.00075%); highest among the groups gnomAD compares: African/African-American, 0.011%; no homozygotes.

Submission:

Women's Health and Genetics/Laboratory Corporation of America, LabCorp
Classification: Uncertain significance. Last evaluated: 2024-12-03. Review status: criteria provided, single submitter. Criteria: LabCorp Variant Classification Summary - May 2015. Collection method: clinical testing. Allele origin: germline.
Comment: Variant summary: IGBP1 c.955C>T (p.Arg319Trp) results in a non-conservative amino acid change in the encoded protein sequence. Three of five in-silico tools predict a damaging effect of the variant on protein function. The variant allele was found at a frequency of 1.1e-05 in 182696 control chromosomes. The available data on variant occurrences in the general population are insufficient to allow any conclusion about variant significance. To our knowledge, no occurrence of c.955C>T in individuals affected with Corpus Callosum Agenesis-Intellectual Disability-Coloboma Syndrome and no experimental evidence demonstrating its impact on protein function have been reported. No submitters have cited clinical-significance assessments for this variant to ClinVar. Based on the evidence outlined above, the variant was classified as uncertain significance.

NM_001551.3(IGBP1):c.955C>T (p.Arg319Trp)

Gene: IGBP1 (immunoglobulin binding protein 1; plus strand). Cytogenetic location: Xq13.1.
Variant type: single nucleotide variant.
Coding change: c.955C>T on transcript NM_001551.3 (MANE Select); coding-DNA position 955, C replaced by T.
Protein change: p.Arg319Trp; replaces arginine 319 with tryptophan.
Molecular consequence: missense variant.
Genome position (GRCh38, 1-based): chrX:70,165,916, C>T. VCF-style: chrX-70165916-C-T. GRCh37 (hg19) VCF-style: chrX-69385766-C-T.
Other names: c.955C>T, p.Arg319Trp (NM_001370192.1, NM_001370193.1); c.679C>T, p.Arg227Trp (NM_001370194.1); short protein forms R227W, R319W.
Identifiers: ClinVar variation 3768326 (VCV003768326.1).
Genomic context (GRCh38, chrX:70,165,916, plus strand): 5'-CAACAGGAAGAACAAGAAGAAAAGGAGGAAGAGGATGATGAACAAACACTCCACAGAGCC[C>T]GGGAGTGGGATGACTGGAAGGACACCCATCCTAGGGGCTATGGGAACCGACAGAACATGG-3'
Protein context (NP_001542.1, residues 309-329): EDDEQTLHRA[Arg319Trp]EWDDWKDTHP